The following is an entry in ClinVar:

NM_000019.4(ACAT1):c.238+2T>C

Gene: ACAT1 (acetyl-CoA acetyltransferase 1; plus strand). Cytogenetic location: 11q22.3.
Variant type: single nucleotide variant.
Coding change: c.238+2T>C on transcript NM_000019.4 (MANE Select); the canonical splice donor site of the intron after coding-DNA position 238, T replaced by C.
Molecular consequence: splice donor variant. On other transcripts: intron variant (1).
Genome position (GRCh38, 1-based): chr11:108,133,939, T>C. VCF-style: chr11-108133939-T-C. GRCh37 (hg19) VCF-style: chr11-108004666-T-C.
Other names: c.-33+2T>C (NM_001386682.1, NM_001386681.1, NM_001386685.1 and 6 more transcripts); c.238+2T>C (NM_001386677.1); c.-40+2T>C (NM_001386679.1); c.120+1985T>C (NM_001386678.1).
Identifiers: ClinVar variation 2501028 (VCV002501028.1), dbSNP rs2135334862, ClinGen allele CA382506451.
Genomic context (GRCh38, chr11:108,133,939, plus strand): 5'-CTTGCTGCCAGCCACTAAGCTTGGTTCCATTGCAATTCAGGGAGCCATTGAAAAGGCAGG[T>C]CAGTAGTTACTTGGCTTTTTGTGTTAAGGGAGCAAAAAGATTCCATGGAAAAGATATTTA-3'

ClinVar aggregate classification (germline): Likely pathogenic (1 of 4 stars; one submission).

Conditions:
Deficiency of acetyl-CoA acetyltransferase. Also called: MITOCHONDRIAL ACETOACETYL-CoA THIOLASE DEFICIENCY; Beta-ketothiolase deficiency; 3-KETOTHIOLASE DEFICIENCY; 3-OXOTHIOLASE DEFICIENCY. Identifiers: Orphanet 134, MedGen C1536500, MONDO:0008760, OMIM 203750. Disease mechanism: loss of function.

Allele frequency attached by ClinVar (database versions not stated): gnomAD exomes below 0.00001.
gnomAD v4.1: 1 of 1,612,720 alleles (0.000062%); highest among the groups gnomAD compares: Admixed American, 0.0017%; no homozygotes.

Submission:

Women's Health and Genetics/Laboratory Corporation of America, LabCorp
Classification: Likely pathogenic for Deficiency of acetyl-CoA acetyltransferase. Last evaluated: 2023-03-31. Review status: criteria provided, single submitter. Criteria: LabCorp Variant Classification Summary - May 2015. Collection method: clinical testing. Allele origin: germline.
Comment: Variant summary: ACAT1 c.238+2T>C is located in a canonical splice-site and is predicted to affect mRNA splicing resulting in a significantly altered protein due to either exon skipping, shortening, or inclusion of intronic material. Several computational tools predict there may be a significant impact on normal splicing: Two predict the variant abolishes a canonical 5' splicing donor site. However, these predictions have yet to be confirmed by functional studies. The variant was absent in 251460 control chromosomes (gnomAD). To our knowledge, no occurrence of c.238+2T>C in individuals affected with Alpha-Methylacetoacetic Aciduria and no experimental evidence demonstrating its impact on protein function have been reported. No clinical diagnostic laboratories have submitted clinical-significance assessments for this variant to ClinVar after 2014. Based on the evidence outlined above, the variant was classified as likely pathogenic.